The following is an entry in ClinVar:

ClinVar aggregate classification (germline): Benign. Review status: criteria provided, multiple submitters, no conflicts (2 of 4 stars). 2 submissions from 2 submitters: Benign (2). Last evaluated 2017-04-27.

Conditions:
X-linked lymphoproliferative disease due to XIAP deficiency. Also called: XIAP DEFICIENCY; XIAP-Related Lymphoproliferative Disease, X-Linked. Identifiers: Orphanet 2442, Orphanet 538934, MedGen C1845076, MONDO:0010385, OMIM 300635.

Allele frequency attached by ClinVar (database versions not stated): gnomAD 0.18783 and 0.19489; TOPMed 0.19323; gnomAD exomes 0.23775 and 0.24329; 1000 Genomes Project 30x 0.25786; 1000 Genomes Project 0.26596; ExAC 0.30852.
gnomAD v4.1: 72,924 of 327,233 alleles (22%); highest among the groups gnomAD compares: South Asian, 39%; 5,177 homozygotes.

Submissions (2):

Illumina Laboratory Services, Illumina
Classification: Benign for X-linked lymphoproliferative disease due to XIAP deficiency. Last evaluated: 2017-04-27. Review status: criteria provided, single submitter. Criteria: ICSL Variant Classification Criteria 13 December 2019. Collection method: clinical testing. Allele origin: germline.
Comment: This variant was observed as part of a predisposition screen in an ostensibly healthy population. A literature search was performed for the gene, cDNA change, and amino acid change (where applicable). No publications were found based on this search. Allele frequency data from public databases was too high to be consistent with this variant causing disease. Therefore, this variant is classified as benign.

Breakthrough Genomics
Classification: Benign. Review status: criteria provided, single submitter. Criteria: ACMG Guidelines, 2015. Collection method: not provided. Allele origin: germline. Inheritance: X-linked inheritance. Affected: yes.

NM_001167.4(XIAP):c.*2674A>C

Gene: XIAP (X-linked inhibitor of apoptosis; plus strand). Cytogenetic location: Xq25.
Variant type: single nucleotide variant.
Coding change: c.*2674A>C on transcript NM_001167.4 (MANE Select); 2674 bases downstream of the stop codon, A replaced by C.
Molecular consequence: 3 prime UTR variant. On other transcripts: non-coding transcript variant (2).
Genome position (GRCh38, 1-based): chrX:123,909,855, A>C. VCF-style: chrX-123909855-A-C. GRCh37 (hg19) VCF-style: chrX-123043705-A-C.
Other names: c.*2674A>C (NM_001204401.2, NM_001378590.1, NM_001378591.1 and 1 more transcripts).
Identifiers: ClinVar variation 367813 (VCV000367813.6), dbSNP rs17330637, ClinGen allele CA10508285.